The following is an entry in ClinVar:

NM_000478.6(ALPL):c.41T>G (p.Leu14Arg)

Gene: ALPL (alkaline phosphatase, biomineralization associated; plus strand). Cytogenetic location: 1p36.12.
Variant type: single nucleotide variant.
Coding change: c.41T>G on transcript NM_000478.6 (MANE Select); coding-DNA position 41, T replaced by G.
Protein change: p.Leu14Arg; replaces leucine 14 with arginine.
Molecular consequence: missense variant. On other transcripts: intron variant (2).
Genome position (GRCh38, 1-based): chr1:21,554,122, T>G. VCF-style: chr1-21554122-T-G. GRCh37 (hg19) VCF-style: chr1-21880615-T-G.
Other names: c.41T>G, p.Leu14Arg (NM_001369803.2, NM_001369804.2, NM_001369805.2); c.-104-6504T>G (NM_001127501.4); c.-54-6504T>G (NM_001177520.3); short protein forms L14R.
Identifiers: ClinVar variation 4799859 (VCV004799859.1).

ClinVar aggregate classification (germline): Uncertain significance (1 of 4 stars; one submission).

Submission:

Labcorp Genetics (formerly Invitae), Labcorp
Classification: Uncertain significance. Last evaluated: 2025-03-10. Review status: criteria provided, single submitter. Criteria: Invitae Variant Classification Sherloc (09022015). Collection method: clinical testing. Allele origin: germline.
Comment: This sequence change replaces leucine, which is neutral and non-polar, with arginine, which is basic and polar, at codon 14 of the ALPL protein (p.Leu14Arg). This variant is not present in population databases (gnomAD no frequency). This variant has not been reported in the literature in individuals affected with ALPL-related conditions. Invitae Evidence Modeling of protein sequence and biophysical properties (such as structural, functional, and spatial information, amino acid conservation, physicochemical variation, residue mobility, and thermodynamic stability) indicates that this missense variant is expected to disrupt ALPL protein function with a positive predictive value of 95%. In summary, the available evidence is currently insufficient to determine the role of this variant in disease. Therefore, it has been classified as a Variant of Uncertain Significance.